The following is an entry in ClinVar:

NM_001048174.2(MUTYH):c.1550A>G (p.Asn517Ser)

Gene: MUTYH (mutY DNA glycosylase; minus strand). Cytogenetic location: 1p34.1.
Variant type: single nucleotide variant.
Coding change: c.1550A>G on transcript NM_001048174.2 (MANE Select); coding-DNA position 1550, A replaced by G.
Protein change: p.Asn517Ser; replaces asparagine 517 with serine.
Molecular consequence: missense variant. On other transcripts: non-coding transcript variant (2).
Genome position (GRCh38, 1-based): chr1:45,329,322, T>C on the plus strand (A>G on the coding strand, the complement: MUTYH is on the minus strand). VCF-style: chr1-45329322-T-C. GRCh37 (hg19) VCF-style: chr1-45794994-T-C.
Other names: c.1550A>G, p.Asn517Ser (NM_001048171.2, NM_001048173.2, NM_001293195.2 and 6 more transcripts); c.1553A>G, p.Asn518Ser (NM_001048172.2, NM_001407086.1, NM_001407071.1 and 1 more transcripts); c.1634A>G, p.Asn545Ser (NM_001128425.2); c.1595A>G, p.Asn532Ser (NM_001293190.2); c.1583A>G, p.Asn528Ser (NM_001293191.2, NM_001407069.1, NM_001407077.1); c.1274A>G, p.Asn425Ser (NM_001293192.2, NM_001293196.2, NM_001407091.1); c.1205A>G, p.Asn402Ser (NM_001350650.2, NM_001350651.2, NM_001407082.1); c.1592A>G, p.Asn531Ser (NM_001407083.1, NM_001407085.1); and 5 more; short protein forms N425S, N517S, N518S, N528S, N545S, N503S, N531S, N504S.
Identifiers: ClinVar variation 1776889 (VCV001776889.8), dbSNP rs2149087436, ClinGen allele CA340131515.

ClinVar aggregate classification (germline): Conflicting classifications of pathogenicity. Review status: criteria provided, conflicting classifications (1 of 4 stars). 2 submissions from 2 submitters: Uncertain significance (1); Likely benign (1). Last evaluated 2025-08-18.

Conditions:
Hereditary cancer-predisposing syndrome. Also called: Tumor predisposition; Neoplastic Syndromes, Hereditary; Hereditary Cancer Syndrome; Hereditary neoplastic syndrome. Identifiers: Orphanet 140162, MedGen C0027672, MeSH D009386, MONDO:0015356.
Familial adenomatous polyposis 2. Also called: MYH-associated polyposis; Adenomas, multiple colorectal; COLORECTAL ADENOMATOUS POLYPOSIS, AUTOSOMAL RECESSIVE; ADENOMAS, MULTIPLE COLORECTAL, AUTOSOMAL RECESSIVE; MUTYH Polyposis; FAP type 2. Identifiers: Orphanet 220460, Orphanet 247798, MedGen C3272841, MONDO:0012041, OMIM 608456.

Allele frequency attached by ClinVar (database versions not stated): gnomAD exomes below 0.00001.
gnomAD v4.1: 2 of 1,614,224 alleles (0.00012%); highest among the groups gnomAD compares: East Asian, 0.0022%; no homozygotes.

Submissions (2):

Labcorp Genetics (formerly Invitae), Labcorp
Classification: Uncertain significance for Familial adenomatous polyposis 2. Last evaluated: 2025-08-18. Review status: criteria provided, single submitter. Criteria: Invitae Variant Classification Sherloc (09022015). Collection method: clinical testing. Allele origin: germline.
Comment: This sequence change replaces asparagine, which is neutral and polar, with serine, which is neutral and polar, at codon 545 of the MUTYH protein (p.Asn545Ser). This variant is not present in population databases (gnomAD no frequency). This variant has not been reported in the literature in individuals affected with MUTYH-related conditions. ClinVar contains an entry for this variant (Variation ID: 1776889). An algorithm developed to predict the effect of missense changes on protein structure and function outputs the following: PolyPhen-2: "Benign". The serine amino acid residue is found in multiple mammalian species, which suggests that this missense change does not adversely affect protein function. In summary, the available evidence is currently insufficient to determine the role of this variant in disease. Therefore, it has been classified as a Variant of Uncertain Significance.

Ambry Genetics
Classification: Likely benign for Hereditary cancer-predisposing syndrome. Last evaluated: 2025-05-13. Review status: criteria provided, single submitter. Criteria: Ambry Variant Classification Scheme 2023. Collection method: clinical testing. Allele origin: germline.